The following is an entry in ClinVar:

NM_000161.3(GCH1):c.-40C>T

Genes: GCH1 (GTP cyclohydrolase 1; minus strand), LOC130055692 (ATAC-STARR-seq lymphoblastoid silent region 5776; plus strand). Cytogenetic location: 14q22.2.
Variant type: single nucleotide variant.
Coding change: c.-40C>T on transcript NM_000161.3 (MANE Select); 40 bases upstream of the start codon, C replaced by T.
Molecular consequence: 5 prime UTR variant.
Genome position (GRCh38, 1-based): chr14:54,902,703, G>A on the plus strand (C>T on the coding strand, the complement: GCH1 is on the minus strand). VCF-style: chr14-54902703-G-A. GRCh37 (hg19) VCF-style: chr14-55369421-G-A.
Other names: c.-40C>T (NM_001024024.2, NM_001024070.2, NM_001024071.2).
Identifiers: ClinVar variation 255397 (VCV000255397.8), dbSNP rs28458175, ClinGen allele CA7193689.

ClinVar aggregate classification (germline): Benign. Review status: criteria provided, multiple submitters, no conflicts (2 of 4 stars). 6 submissions from 5 submitters: Benign (6). Last evaluated 2018-01-13.

Conditions:
Dystonia 5 (DRD). Also called: Dystonia, DOPA-responsive, with or without hyperphenylalaninemia; DYT-GCH1; DYSTONIA, PROGRESSIVE, WITH DIURNAL VARIATION; DYSTONIA-PARKINSONISM WITH DIURNAL FLUCTUATION; GTP Cyclohydrolase 1-Deficient Dopa-Responsive Dystonia. Identifiers: Orphanet 98808, MedGen C1851920, MONDO:0007495, OMIM 128230.
GTP cyclohydrolase I deficiency. Identifiers: MedGen C0268467, MONDO:0100184.

Allele frequency attached by ClinVar (database versions not stated): gnomAD exomes 0.00442 and 0.00571; ExAC 0.00464; gnomAD 0.05030 and 0.05363; TOPMed 0.05639; 1000 Genomes Project 0.06090; 1000 Genomes Project 30x 0.06465.
gnomAD v4.1: 13,568 of 1,411,542 alleles (0.96%); highest among the groups gnomAD compares: African/African-American, 18%; 1,148 homozygotes.

Submissions (6):

Illumina Laboratory Services, Illumina
Classification: Benign for GTP cyclohydrolase I deficiency with hyperphenylalaninemia. Last evaluated: 2018-01-13. Review status: criteria provided, single submitter. Criteria: ICSL Variant Classification Criteria 13 December 2019. Collection method: clinical testing. Allele origin: germline.
Comment: This variant was observed in the ICSL laboratory as part of a predisposition screen in an ostensibly healthy population. It had not been previously curated by ICSL or reported in the Human Gene Mutation Database (HGMD: prior to June 1st, 2018), and was therefore a candidate for classification through an automated scoring system. Utilizing variant allele frequency, disease prevalence and penetrance estimates, and inheritance mode, an automated score was calculated to assess if this variant is too frequent to cause the disease. Based on the score and internal cut-off values, a variant classified as benign is not then subjected to further curation. The score for this variant resulted in a classification of benign for this disease.

Illumina Laboratory Services, Illumina
Classification: Benign for Dystonia 5. Last evaluated: 2018-01-13. Review status: criteria provided, single submitter. Criteria: ICSL Variant Classification Criteria 13 December 2019. Collection method: clinical testing. Allele origin: germline.
Comment: the same text as in the submission from Illumina Laboratory Services, Illumina above.

Athena Diagnostics
Classification: Benign. Last evaluated: 2017-09-12. Review status: criteria provided, single submitter. Criteria: Athena Diagnostics Criteria. Collection method: clinical testing. Allele origin: germline.

GeneDx
Classification: Benign. Last evaluated: 2015-11-24. Review status: criteria provided, single submitter. Criteria: GeneDx Variant Classification (06012015). Collection method: clinical testing. Allele origin: germline. Affected: yes.
Comment: This variant is considered likely benign or benign based on one or more of the following criteria: it is a conservative change, it occurs at a poorly conserved position in the protein, it is predicted to be benign by multiple in silico algorithms, and/or has population frequency not consistent with disease.

Breakthrough Genomics
Classification: Benign. Review status: criteria provided, single submitter. Criteria: ACMG Guidelines, 2015. Collection method: not provided. Allele origin: germline. Inheritance: Autosomal recessive inheritance. Affected: yes.

PreventionGenetics, part of Exact Sciences
Classification: Benign. Review status: criteria provided, single submitter. Criteria: ACMG Guidelines, 2015. Collection method: clinical testing. Allele origin: germline.